The following is an entry in ClinVar:

NM_001291088.2(WDR87):c.7718G>A (p.Arg2573Gln)

Gene: WDR87 (WD repeat domain 87; minus strand). Cytogenetic location: 19q13.13.
Variant type: single nucleotide variant.
Coding change: c.7718G>A on transcript NM_001291088.2 (MANE Select); coding-DNA position 7718, G replaced by A.
Protein change: p.Arg2573Gln; replaces arginine 2573 with glutamine.
Molecular consequence: missense variant.
Genome position (GRCh38, 1-based): chr19:37,885,953, C>T on the plus strand (G>A on the coding strand, the complement: WDR87 is on the minus strand). VCF-style: chr19-37885953-C-T. GRCh37 (hg19) VCF-style: chr19-38376593-C-T.
Other names: c.7601G>A, p.Arg2534Gln (NM_031951.5); short protein forms R2534Q, R2573Q.
Identifiers: ClinVar variation 4750439 (VCV004750439.1).

ClinVar aggregate classification (germline): Uncertain significance (1 of 4 stars; one submission).

Submission:

Labcorp Genetics (formerly Invitae), Labcorp
Classification: Uncertain significance. Last evaluated: 2025-12-23. Review status: criteria provided, single submitter. Criteria: Invitae Variant Classification Sherloc (09022015). Collection method: clinical testing. Allele origin: germline.
Comment: This sequence change replaces arginine, which is basic and polar, with glutamine, which is neutral and polar, at codon 2534 of the WDR87 protein (p.Arg2534Gln). This variant is present in population databases (no rsID available, gnomAD 0.004%). This variant has not been reported in the literature in individuals affected with WDR87-related conditions. An algorithm developed to predict the effect of missense changes on protein structure and function outputs the following: PolyPhen-2: "Not Available". The glutamine amino acid residue is found in multiple mammalian species, which suggests that this missense change does not adversely affect protein function. In summary, the available evidence is currently insufficient to determine the role of this variant in disease. Therefore, it has been classified as a Variant of Uncertain Significance.